The following is an entry in ClinVar:

NM_032776.3(JMJD1C):c.6329A>G (p.Asp2110Gly)

Gene: JMJD1C (jumonji domain containing 1C; minus strand). Cytogenetic location: 10q21.3.
Variant type: single nucleotide variant.
Coding change: c.6329A>G on transcript NM_032776.3 (MANE Select); coding-DNA position 6329, A replaced by G.
Protein change: p.Asp2110Gly; replaces aspartic acid 2110 with glycine.
Molecular consequence: missense variant. On other transcripts: non-coding transcript variant (1).
Genome position (GRCh38, 1-based): chr10:63,189,409, T>C on the plus strand (A>G on the coding strand, the complement: JMJD1C is on the minus strand). VCF-style: chr10-63189409-T-C. GRCh37 (hg19) VCF-style: chr10-64949169-T-C.
Other names: c.5783A>G, p.Asp1928Gly (NM_001282948.2, NM_001318154.2); c.5465A>G, p.Asp1822Gly (NM_001318153.2); c.6215A>G, p.Asp2072Gly (NM_001322252.2); c.5672A>G, p.Asp1891Gly (NM_001322254.2, NM_001322258.2); short protein forms D1822G, D1928G, D2072G, D2110G, D1891G.
Identifiers: ClinVar variation 1346226 (VCV001346226.8), dbSNP rs2132954857, ClinGen allele CA377024246.

ClinVar aggregate classification (germline): Uncertain significance (1 of 4 stars; one submission).

Conditions:
Early Myoclonic Encephalopathy. Identifiers: MedGen C0270855.

Allele frequency attached by ClinVar (database versions not stated): gnomAD exomes below 0.00001.
gnomAD v4.1: 1 of 1,613,656 alleles (0.000062%); highest among the groups gnomAD compares: East Asian, 0.0022%; no homozygotes.

Submission:

Labcorp Genetics (formerly Invitae), Labcorp
Classification: Uncertain significance for Early Myoclonic Encephalopathy. Last evaluated: 2021-03-09. Review status: criteria provided, single submitter. Criteria: Invitae Variant Classification Sherloc (09022015). Collection method: clinical testing. Allele origin: germline.
Comment: This sequence change replaces aspartic acid with glycine at codon 2110 of the JMJD1C protein (p.Asp2110Gly). The aspartic acid residue is highly conserved and there is a moderate physicochemical difference between aspartic acid and glycine. This variant is not present in population databases (ExAC no frequency). This variant has not been reported in the literature in individuals with JMJD1C-related conditions. Algorithms developed to predict the effect of missense changes on protein structure and function are either unavailable or do not agree on the potential impact of this missense change (SIFT: "Deleterious"; PolyPhen-2: "Probably Damaging"; Align-GVGD: "Class C0"). In summary, the available evidence is currently insufficient to determine the role of this variant in disease. Therefore, it has been classified as a Variant of Uncertain Significance.